The following is an entry in ClinVar:

ClinVar aggregate classification (germline): Uncertain significance. Review status: criteria provided, multiple submitters, no conflicts (2 of 4 stars). 4 submissions from 4 submitters: Uncertain significance (4). Last evaluated 2024-10-24.

Conditions:
Inborn genetic diseases. Identifiers: MedGen C0950123, MeSH D030342.
Developmental and epileptic encephalopathy, 23 (DEE23). Also called: Epileptic encephalopathy, early infantile, 23. Identifiers: Orphanet 411986, MedGen C4014492, MONDO:0014371, OMIM 615859.

Allele frequency attached by ClinVar (database versions not stated): TOPMed below 0.00001; ExAC 0.00001; gnomAD 0.00001; gnomAD exomes 0.00001 and 0.00002.
gnomAD v4.1: 14 of 1,599,654 alleles (0.00088%); highest among the groups gnomAD compares: Non-Finnish European, 0.0011%; no homozygotes.

Submissions (4):

Blueprint Genetics
Classification: Uncertain significance. Last evaluated: 2024-10-24. Review status: criteria provided, single submitter. Criteria: ACMG Guidelines, 2015. Collection method: clinical testing. Allele origin: germline.

Genome-Nilou Lab
Classification: Uncertain significance for Developmental and epileptic encephalopathy, 23. Last evaluated: 2023-04-11. Review status: criteria provided, single submitter. Criteria: ACMG Guidelines, 2015. Collection method: clinical testing. Allele origin: germline. Affected: no.

Ambry Genetics
Classification: Uncertain significance for Inborn genetic diseases. Last evaluated: 2022-11-17. Review status: criteria provided, single submitter. Criteria: Ambry Variant Classification Scheme 2023. Collection method: clinical testing. Allele origin: germline.

Labcorp Genetics (formerly Invitae), Labcorp
Classification: Uncertain significance for Developmental and epileptic encephalopathy, 23. Last evaluated: 2020-11-10. Review status: criteria provided, single submitter. Criteria: Invitae Variant Classification Sherloc (09022015). Collection method: clinical testing. Allele origin: germline.
Comment: In summary, the available evidence is currently insufficient to determine the role of this variant in disease. Therefore, it has been classified as a Variant of Uncertain Significance. Algorithms developed to predict the effect of missense changes on protein structure and function (SIFT, PolyPhen-2, Align-GVGD) all suggest that this variant is likely to be tolerated, but these predictions have not been confirmed by published functional studies and their clinical significance is uncertain. This variant has not been reported in the literature in individuals with DOCK7-related conditions. This variant is present in population databases (rs757984937, ExAC 0.002%). This sequence change replaces threonine with isoleucine at codon 426 of the DOCK7 protein (p.Thr426Ile). The threonine residue is moderately conserved and there is a moderate physicochemical difference between threonine and isoleucine.

NM_001367561.1(DOCK7):c.1277C>T (p.Thr426Ile)

Gene: DOCK7 (dedicator of cytokinesis 7; minus strand). Cytogenetic location: 1p31.3.
Variant type: single nucleotide variant.
Coding change: c.1277C>T on transcript NM_001367561.1 (MANE Select); coding-DNA position 1277, C replaced by T.
Protein change: p.Thr426Ile; replaces threonine 426 with isoleucine.
Molecular consequence: missense variant.
Genome position (GRCh38, 1-based): chr1:62,631,245, G>A on the plus strand (C>T on the coding strand, the complement: DOCK7 is on the minus strand). VCF-style: chr1-62631245-G-A. GRCh37 (hg19) VCF-style: chr1-63096916-G-A.
Other names: c.1277C>T, p.Thr426Ile (NM_001271999.2, NM_001272000.2, NM_001272001.2 and 3 more transcripts); c.1277C>T (NM_033407.2); short protein forms T426I.
Identifiers: ClinVar variation 1025663 (VCV001025663.13), dbSNP rs757984937, ClinGen allele CA886996.